The following is an entry in ClinVar:

ClinVar aggregate classification (germline): Pathogenic/Likely pathogenic. Review status: criteria provided, multiple submitters, no conflicts (2 of 4 stars). 3 submissions from 3 submitters: Pathogenic (2); Likely pathogenic (1). Last evaluated 2023-11-08.

Conditions:
Spastic paraplegia. Identifiers: MedGen C0037772, HP:0001258.
Charlevoix-Saguenay spastic ataxia (SACS). Also called: Spastic ataxia of Charlevoix-Saguenay; SPASTIC ATAXIA 6, AUTOSOMAL RECESSIVE; AUTOSOMAL RECESSIVE SPASTIC ATAXIA OF CHARLEVOIX-SAGUENAY. Identifiers: Orphanet 98, MedGen C1849140, MONDO:0010041, OMIM 270550.

Submissions (3):

Baylor Genetics
Classification: Likely pathogenic for Charlevoix-Saguenay spastic ataxia. Last evaluated: 2023-11-08. Review status: criteria provided, single submitter. Criteria: ACMG Guidelines, 2015. Collection method: clinical testing. Allele origin: unknown.

Labcorp Genetics (formerly Invitae), Labcorp
Classification: Pathogenic for Spastic paraplegia. Last evaluated: 2023-11-08. Review status: criteria provided, single submitter. Criteria: Invitae Variant Classification Sherloc (09022015). Collection method: clinical testing. Allele origin: germline.
Comment: This sequence change creates a premature translational stop signal (p.Glu1814Argfs*14) in the SACS gene. While this is not anticipated to result in nonsense mediated decay, it is expected to disrupt the last 2766 amino acid(s) of the SACS protein. This variant is present in population databases (no rsID available, gnomAD 0.003%). This variant has not been reported in the literature in individuals affected with SACS-related conditions. ClinVar contains an entry for this variant (Variation ID: 1395285). This variant disrupts a region of the SACS protein in which other variant(s) (p.Tyr4538*) have been determined to be pathogenic (Invitae). This suggests that this is a clinically significant region of the protein, and that variants that disrupt it are likely to be disease-causing. For these reasons, this variant has been classified as Pathogenic.

MGZ Medical Genetics Center
Classification: Pathogenic for Charlevoix-Saguenay spastic ataxia. Last evaluated: 2022-07-29. Review status: criteria provided, single submitter. Criteria: ACMG Guidelines, 2015. Collection method: clinical testing. Allele origin: germline. Affected: yes. Observed: 1 variant allele.
Comment: ACMG criteria applied: PVS1, PS4_SUP, PM2_SUP, PM3_SUP

NM_014363.6(SACS):c.5440_5449del (p.Glu1814fs)

Gene: SACS (sacsin molecular chaperone; minus strand). Cytogenetic location: 13q12.12.
Variant type: Deletion.
Coding change: c.5440_5449del on transcript NM_014363.6 (MANE Select); coding-DNA positions 5440 to 5449, 10 bases deleted (GAGTGTACCA; older notation c.5440_5449delGAGTGTACCA).
Protein change: p.Glu1814fs; shifts the reading frame from glutamic acid 1814.
Molecular consequence: frameshift variant.
Genome position (GRCh38, 1-based): chr13:23,338,427-23,338,436, TGGTACACTC deleted on the plus strand (GAGTGTACCA on the coding strand, the reverse complement: SACS is on the minus strand); deleting any 10 consecutive bases within chr13:23,338,427-23,338,437 gives the same sequence; the c. name uses the placement nearest the transcript's 3' end. VCF-style (leftmost placement, unchanged base first): chr13-23338426-GTGGTACACTC-G. GRCh37 (hg19) VCF-style: chr13-23912565-GTGGTACACTC-G.
Other names: c.4999_5008del, p.Glu1667fs (NM_001278055.2); short protein forms E1814fs, E1667fs.
Identifiers: ClinVar variation 1395285 (VCV001395285.10), dbSNP rs1566067485, ClinGen allele CA608985263.